The following is an entry in ClinVar:

ClinVar aggregate classification (germline): Likely pathogenic (1 of 4 stars; one submission).

Conditions:
Nemaline myopathy 2 (NEM2). Also called: Nemaline myopathy 2, autosomal recessive. Identifiers: MedGen C1850569, MONDO:0009725, OMIM 256030.

Submission:

Natera, Inc.
Classification: Likely pathogenic for Nemaline myopathy type 2. Last evaluated: 2025-01-14. Review status: criteria provided, single submitter. Criteria: Natera Variant Classification Schema (03/2026). Collection method: clinical testing. Allele origin: germline.
Comment: The c.25377delinsAA variant in NEB is a frameshift variant predicted to shift the reading frame beginning at codon 8459 and leads to a stop codon 53 codons downstream. This variant is expected to result in nonsense mediated decay, truncation, or a dysfunctional protein product. This variant is rare in the general population with a frequency below the threshold expected for the associated phenotype(s). Given the available evidence, this variant is classified as Likely Pathogenic.

NM_001164508.2(NEB):c.25272delinsAA (p.Asp8424fs)

Genes: NEB (nebulin; minus strand), RIF1 (replication timing regulatory factor 1; plus strand). Cytogenetic location: 2q23.3.
Variant type: Indel.
Coding change: c.25272delinsAA on transcript NM_001164508.2 (MANE Select); coding-DNA position 25272, C replaced by AA.
Protein change: p.Asp8424fs; shifts the reading frame from aspartic acid 8424.
Molecular consequence: frameshift variant.
Genome position (GRCh38, 1-based): chr2:151,490,397, G replaced by TT on the plus strand (C replaced by AA on the coding strand, the reverse complement: NEB is on the minus strand). VCF-style: chr2-151490397-G-TT. GRCh37 (hg19) VCF-style: chr2-152346911-G-TT.
Other names: c.25272delinsAA, p.Asp8424fs (NM_001164507.2); c.25377delCinsAA, p.Asp8459Glufs (NM_001271208.1); c.25377delinsAA, p.Asp8459fs (NM_001271208.2); c.19704delinsAA, p.Asp6568fs (NM_004543.5); short protein forms D6568fs, D8424fs, D8459fs.
Identifiers: ClinVar variation 4814769 (VCV004814769.1).